The following is an entry in ClinVar:

NM_001457.4(FLNB):c.1275T>A (p.Pro425=)

Gene: FLNB (filamin B; plus strand). Cytogenetic location: 3p14.3.
Variant type: single nucleotide variant.
Coding change: c.1275T>A on transcript NM_001457.4 (MANE Select); coding-DNA position 1275, T replaced by A.
Protein change: p.Pro425=; no amino-acid change (proline 425 retained).
Molecular consequence: synonymous variant.
Genome position (GRCh38, 1-based): chr3:58,098,838, T>A. VCF-style: chr3-58098838-T-A. GRCh37 (hg19) VCF-style: chr3-58084565-T-A.
Other names: c.1275T>A, p.Pro425= (NM_001164317.2, NM_001164318.2, NM_001164319.2).
Identifiers: ClinVar variation 3049375 (VCV003049375.3), dbSNP rs376909618, ClinGen allele CA2467751.
Genomic context (GRCh38, chr3:58,098,838, plus strand): 5'-CGTGGAAGACAAAGGAAACCAGGTGTATCGATGTGTGTACAAACCCATGCAGCCTGGCCC[T>A]CACGTGGTCAAGATCTTCTTTGCTGGGGACACTATTCCTAAGAGTCCCTTCGTTGTGCAG-3'
Protein context (NP_001448.2, residues 415-435): RCVYKPMQPG[Pro425=]HVVKIFFAGD

ClinVar aggregate classification (germline): Likely benign. Review status: criteria provided, single submitter (1 of 4 stars). 2 submissions from 2 submitters: Likely benign (1). 1 of the submissions does not count toward it. Last evaluated 2025-12-03.

Conditions:
FLNB-related disorder. Also called: FLNB-related disorders; FLNB-related condition. Identifiers: MedGen CN381095.

Allele frequency attached by ClinVar (database versions not stated): TOPMed below 0.00001; gnomAD 0.00001; ExAC 0.00003; gnomAD exomes 0.00003; ESP Exome Variant Server 0.00008.
gnomAD v4.1: 41 of 1,614,022 alleles (0.0025%); highest among the groups gnomAD compares: Non-Finnish European, 0.0034%; no homozygotes.

Submissions (2):

Labcorp Genetics (formerly Invitae), Labcorp
Classification: Likely benign. Last evaluated: 2025-12-03. Review status: criteria provided, single submitter. Criteria: Invitae Variant Classification Sherloc (09022015). Collection method: clinical testing. Allele origin: germline.

PreventionGenetics, part of Exact Sciences
Classification: Likely benign for FLNB-related condition. Last evaluated: 2022-05-04. Review status: no assertion criteria provided. Collection method: clinical testing. Allele origin: germline. Not counted in ClinVar's aggregate classification.
Comment: This variant is classified as likely benign based on ACMG/AMP sequence variant interpretation guidelines (Richards et al. 2015 PMID: 25741868, with internal and published modifications).